The following is an entry in ClinVar:

ClinVar aggregate classification (germline): Conflicting classifications of pathogenicity. Review status: criteria provided, conflicting classifications (1 of 4 stars). 3 submissions from 3 submitters: Uncertain significance (1); Benign (1); Likely benign (1). Last evaluated 2026-01-26.

Conditions:
Orofaciodigital syndrome I (OFD1). Also called: OFDS I; Papillon-Leage and Psaume Syndrome; Oral-Facial-Digital Syndrome Type I. Identifiers: Orphanet 2750, MedGen C1510460, MONDO:0010702, OMIM 311200.
Joubert syndrome. Also called: JOUBERT-BOLTSHAUSER SYNDROME; Familial aplasia of the vermis. Identifiers: Orphanet 475, MedGen C5979921, MONDO:0018772.

Allele frequency attached by ClinVar (database versions not stated): ExAC 0.00003; gnomAD exomes 0.00004 and 0.00011; TOPMed 0.00005; gnomAD 0.00009 and 0.00011.
gnomAD v4.1: 129 of 1,201,557 alleles (0.011%); highest among the groups gnomAD compares: Non-Finnish European, 0.014%; no homozygotes.

Submissions (3):

Labcorp Genetics (formerly Invitae), Labcorp
Classification: Benign for Orofaciodigital syndrome I; Joubert syndrome. Last evaluated: 2026-01-26. Review status: criteria provided, single submitter. Criteria: Invitae Variant Classification Sherloc (09022015). Collection method: clinical testing. Allele origin: germline.

Blueprint Genetics
Classification: Likely benign. Last evaluated: 2024-11-27. Review status: criteria provided, single submitter. Criteria: ACMG Guidelines, 2015. Collection method: clinical testing. Allele origin: germline.

GeneDx
Classification: Uncertain significance. Last evaluated: 2023-11-21. Review status: criteria provided, single submitter. Criteria: GeneDx Variant Classification Process June 2021. Collection method: clinical testing. Allele origin: germline. Affected: yes.
Comment: In silico analysis supports a deleterious effect on splicing; Has not been previously published as pathogenic or benign to our knowledge

NM_003611.3(OFD1):c.2600-4T>G

Gene: OFD1 (OFD1 centriole and centriolar satellite protein; plus strand). Cytogenetic location: Xp22.2.
Variant type: single nucleotide variant.
Coding change: c.2600-4T>G on transcript NM_003611.3 (MANE Select); 4 bases into the intron before coding-DNA position 2600, T replaced by G.
Molecular consequence: intron variant.
Genome position (GRCh38, 1-based): chrX:13,767,123, T>G. VCF-style: chrX-13767123-T-G. GRCh37 (hg19) VCF-style: chrX-13785242-T-G.
Other names: c.2180-4T>G (NM_001330210.2); c.2480-4T>G (NM_001330209.2).
Identifiers: ClinVar variation 698751 (VCV000698751.11), dbSNP rs753195130, ClinGen allele CA10352056.